The following is an entry in ClinVar:

ClinVar aggregate classification (germline): Uncertain significance (1 of 4 stars; one submission).

Conditions:
Autoimmune lymphoproliferative syndrome type 1. Also called: AUTOIMMUNE LYMPHOPROLIFERATIVE SYNDROME, TYPE I, AUTOSOMAL DOMINANT. Identifiers: Orphanet 3261, MedGen C2717884, MONDO:0011158, OMIM 601859.

Submission:

Labcorp Genetics (formerly Invitae), Labcorp
Classification: Uncertain significance for Autoimmune lymphoproliferative syndrome. Last evaluated: 2026-01-13. Review status: criteria provided, single submitter. Criteria: Invitae Variant Classification Sherloc (09022015). Collection method: clinical testing. Allele origin: germline.
Comment: This sequence change replaces glutamic acid, which is acidic and polar, with valine, which is neutral and non-polar, at codon 150 of the FAS protein (p.Glu150Val). This variant is not present in population databases (gnomAD no frequency). This variant has not been reported in the literature in individuals affected with FAS-related conditions. Invitae Evidence Modeling of protein sequence and biophysical properties (such as structural, functional, and spatial information, amino acid conservation, physicochemical variation, residue mobility, and thermodynamic stability) indicates that this missense variant is expected to disrupt FAS protein function with a positive predictive value of 95%. In summary, the available evidence is currently insufficient to determine the role of this variant in disease. Therefore, it has been classified as a Variant of Uncertain Significance.

NM_000043.6(FAS):c.449A>T (p.Glu150Val)

Gene: FAS (Fas cell surface death receptor; plus strand). Cytogenetic location: 10q23.31.
Variant type: single nucleotide variant.
Coding change: c.449A>T on transcript NM_000043.6 (MANE Select); coding-DNA position 449, A replaced by T.
Protein change: p.Glu150Val; replaces glutamic acid 150 with valine.
Molecular consequence: missense variant. On other transcripts: non-coding transcript variant (7).
Genome position (GRCh38, 1-based): chr10:89,010,544, A>T. VCF-style: chr10-89010544-A-T. GRCh37 (hg19) VCF-style: chr10-90770301-A-T.
Other names: c.449A>T, p.Glu150Val (NM_001320619.2, NM_152871.4, NM_152872.4); c.494A>T, p.Glu165Val (NM_001410956.1); short protein forms E150V, E165V.
Identifiers: ClinVar variation 4745952 (VCV004745952.1).